The following is an entry in ClinVar:

NM_001267550.2(TTN):c.107577G>A (p.Met35859Ile)

Genes: TTN (titin; minus strand), TTN-AS1 (TTN antisense RNA 1; plus strand). Cytogenetic location: 2q31.2.
Variant type: single nucleotide variant.
Coding change: c.107577G>A on transcript NM_001267550.2 (MANE Select); coding-DNA position 107577, G replaced by A.
Protein change: p.Met35859Ile; replaces methionine 35859 with isoleucine.
Molecular consequence: missense variant.
Genome position (GRCh38, 1-based): chr2:178,527,549, C>T on the plus strand (G>A on the coding strand, the complement: TTN is on the minus strand). VCF-style: chr2-178527549-C-T. GRCh37 (hg19) VCF-style: chr2-179392276-C-T.
Other names: c.102654G>A, p.Met34218Ile (NM_001256850.1); c.80382G>A, p.Met26794Ile (NM_003319.4); c.99873G>A, p.Met33291Ile (NM_133378.4); c.80757G>A, p.Met26919Ile (NM_133432.3); c.80958G>A, p.Met26986Ile (NM_133437.4); short protein forms M26794I, M33291I, M34218I, M35859I, M26919I, M26986I.
Identifiers: ClinVar variation 1427690 (VCV001427690.5), dbSNP rs772602914, ClinGen allele CA349400056.

ClinVar aggregate classification (germline): Uncertain significance (1 of 4 stars; one submission).

Conditions:
Dilated cardiomyopathy 1G (CMD1G). Identifiers: Orphanet 154, MedGen C1858763, MONDO:0011400, OMIM 604145.
Autosomal recessive limb-girdle muscular dystrophy type 2J (LGMDR10). Also called: Limb-girdle muscular dystrophy, type 2J; MUSCULAR DYSTROPHY, LIMB-GIRDLE, AUTOSOMAL RECESSIVE 10. Identifiers: Orphanet 140922, MedGen C1837342, MONDO:0012127, OMIM 608807.

Allele frequency attached by ClinVar (database versions not stated): TOPMed below 0.00001.
gnomAD v4.1: 7 of 1,614,016 alleles (0.00043%); highest among the groups gnomAD compares: East Asian, 0.016%; no homozygotes.

Submission:

Labcorp Genetics (formerly Invitae), Labcorp
Classification: Uncertain significance for Dilated cardiomyopathy 1G; Autosomal recessive limb-girdle muscular dystrophy type 2J. Last evaluated: 2021-11-27. Review status: criteria provided, single submitter. Criteria: Invitae Variant Classification Sherloc (09022015). Collection method: clinical testing. Allele origin: germline.
Comment: In summary, the available evidence is currently insufficient to determine the role of this variant in disease. Therefore, it has been classified as a Variant of Uncertain Significance. Experimental studies and prediction algorithms are not available or were not evaluated, and the functional significance of this variant is currently unknown. This variant has not been reported in the literature in individuals affected with TTN-related conditions. This variant is not present in population databases (gnomAD no frequency). This sequence change replaces methionine, which is neutral and non-polar, with isoleucine, which is neutral and non-polar, at codon 35859 of the TTN protein (p.Met35859Ile). This variant is located in the M band of TTN (PMID: 25589632). Variants in this region may be relevant for neuromuscular disorders, but have not been definitively shown to cause cardiomyopathy (PMID: 23975875).

Literature cited by the submitters: PubMed 25589632; PubMed 23975875.